The following is an entry in ClinVar:

ClinVar aggregate classification (germline): Uncertain significance (1 of 4 stars; one submission).

Conditions:
Developmental and epileptic encephalopathy, 53. Also called: Epileptic encephalopathy, early infantile, 53. Identifiers: MedGen C4479313, MONDO:0033362, OMIM 617389.
Early-onset Parkinson disease 20. Also called: PARKINSON DISEASE 20, AUTOSOMAL RECESSIVE EARLY-ONSET. Identifiers: Orphanet 391411, MedGen C3809824, MONDO:0014233, OMIM 615530.

Submission:

Labcorp Genetics (formerly Invitae), Labcorp
Classification: Uncertain significance for Developmental and epileptic encephalopathy, 53; Early-onset Parkinson disease 20. Last evaluated: 2022-05-03. Review status: criteria provided, single submitter. Criteria: Invitae Variant Classification Sherloc (09022015). Collection method: clinical testing. Allele origin: germline.
Comment: This variant is not present in population databases (gnomAD no frequency). This sequence change replaces glutamine, which is neutral and polar, with arginine, which is basic and polar, at codon 1248 of the SYNJ1 protein (p.Gln1248Arg). This variant has not been reported in the literature in individuals affected with SYNJ1-related conditions. Algorithms developed to predict the effect of missense changes on protein structure and function are either unavailable or do not agree on the potential impact of this missense change (SIFT: "Deleterious"; PolyPhen-2: "Benign"; Align-GVGD: "Class C0"). In summary, the available evidence is currently insufficient to determine the role of this variant in disease. Therefore, it has been classified as a Variant of Uncertain Significance.

NM_203446.3(SYNJ1):c.3626A>G (p.Gln1209Arg)

Gene: SYNJ1 (synaptojanin 1; minus strand). Cytogenetic location: 21q22.11.
Variant type: single nucleotide variant.
Coding change: c.3626A>G on transcript NM_203446.3 (MANE Select); coding-DNA position 3626, A replaced by G.
Protein change: p.Gln1209Arg; replaces glutamine 1209 with arginine.
Molecular consequence: missense variant.
Genome position (GRCh38, 1-based): chr21:32,639,742, T>C on the plus strand (A>G on the coding strand, the complement: SYNJ1 is on the minus strand). VCF-style: chr21-32639742-T-C. GRCh37 (hg19) VCF-style: chr21-34012052-T-C.
Other names: c.3578A>G, p.Gln1193Arg (NM_001160302.2); c.3485A>G, p.Gln1162Arg (NM_001160306.2); c.3743A>G, p.Gln1248Arg (NM_003895.4); short protein forms Q1193R, Q1248R, Q1162R, Q1209R.
Identifiers: ClinVar variation 1973038 (VCV001973038.5), dbSNP rs2517368233, ClinGen allele CA410087883.